The following is an entry in ClinVar:

NM_001267550.2(TTN):c.7835C>T (p.Ser2612Phe)

Gene: TTN (titin; minus strand). Cytogenetic location: 2q31.2.
Variant type: single nucleotide variant.
Coding change: c.7835C>T on transcript NM_001267550.2 (MANE Select); coding-DNA position 7835, C replaced by T.
Protein change: p.Ser2612Phe; replaces serine 2612 with phenylalanine.
Molecular consequence: missense variant.
Genome position (GRCh38, 1-based): chr2:178,773,129, G>A on the plus strand (C>T on the coding strand, the complement: TTN is on the minus strand). VCF-style: chr2-178773129-G-A. GRCh37 (hg19) VCF-style: chr2-179637856-G-A.
Other names: p.Ser2612Phe; c.7835C>T, p.Ser2612Phe (NM_001256850.1, NM_133378.4, NM_133379.5); c.7697C>T, p.Ser2566Phe (NM_003319.4, NM_133432.3, NM_133437.4); short protein forms S2612F, S2566F.
Identifiers: ClinVar variation 4540769 (VCV004540769.1).
Genomic context (GRCh38, chr2:178,773,129, plus strand): 5'-ATCACTCCTCGTAAGAATTTAGGTTAATAAATATACCAACCTGCCACAGTAAGTTTTCCA[G>A]ATGTCATATTTTCTCCCGCGTAAAATGTGTATTTTCCTTCATCATCTTTCATCATATTTA-3'
Protein context (NP_001254479.2, residues 2602-2622): YTFYAGENMT[Ser2612Phe]GKLTVAGGAI

ClinVar aggregate classification (germline): Uncertain significance (1 of 4 stars; one submission).

gnomAD v4.1: 6 of 1,613,884 alleles (0.00037%); highest among the groups gnomAD compares: Admixed American, 0.0017%; no homozygotes.

Submission:

Mayo Clinic Laboratories, Mayo Clinic
Classification: Uncertain significance. Last evaluated: 2025-07-16. Review status: criteria provided, single submitter. Criteria: ACMG Guidelines, 2015. Collection method: clinical testing. Allele origin: germline. Observed: 1 variant allele.
Comment: BP4_moderate, PM2_supporting